The following is an entry in ClinVar:

ClinVar aggregate classification (germline): Likely benign. Review status: criteria provided, multiple submitters, no conflicts (2 of 4 stars). 4 submissions from 4 submitters: Likely benign (3). 1 of the submissions does not count toward it. Last evaluated 2025-12-17.

Conditions:
Hereditary cancer-predisposing syndrome. Also called: Neoplastic Syndromes, Hereditary; Hereditary neoplastic syndrome; Hereditary Cancer Syndrome; Tumor predisposition. Identifiers: Orphanet 140162, MedGen C0027672, MeSH D009386, MONDO:0015356.
POLD1-related disorder. Also called: POLD1-related disorders; POLD1-related condition.
POLD1-related polyposis and colorectal cancer syndrome (CRCS10). Also called: Colorectal cancer, susceptibility to, 10; Colorectal cancer 10; COLORECTAL CANCER, SUSCEPTIBILITY TO, ON CHROMOSOME 19q. Identifiers: Orphanet 220460, MedGen C2675481, MONDO:0012953, OMIM 612591.

Allele frequency attached by ClinVar (database versions not stated): gnomAD exomes below 0.00001 and 0.00001; TOPMed 0.00001.
gnomAD v4.1: 9 of 1,612,606 alleles (0.00056%); highest among the groups gnomAD compares: Middle Eastern, 0.017%; no homozygotes.

Submissions (4):

Labcorp Genetics (formerly Invitae), Labcorp
Classification: Likely benign for POLD1-related polyposis and colorectal cancer syndrome. Last evaluated: 2025-12-17. Review status: criteria provided, single submitter. Criteria: Invitae Variant Classification Sherloc (09022015). Collection method: clinical testing. Allele origin: germline.

GeneDx
Classification: Likely benign. Last evaluated: 2021-01-12. Review status: criteria provided, single submitter. Criteria: GeneDx Variant Classification Process June 2021. Collection method: clinical testing. Allele origin: germline. Affected: yes.

Ambry Genetics
Classification: Likely benign for Hereditary cancer-predisposing syndrome. Last evaluated: 2019-09-29. Review status: criteria provided, single submitter. Criteria: Ambry Variant Classification Scheme 2023. Collection method: clinical testing. Allele origin: germline.

PreventionGenetics, part of Exact Sciences
Classification: Likely benign for POLD1-related condition. Last evaluated: 2023-02-08. Review status: no assertion criteria provided. Collection method: clinical testing. Allele origin: germline. Not counted in ClinVar's aggregate classification.
Comment: This variant is classified as likely benign based on ACMG/AMP sequence variant interpretation guidelines (Richards et al. 2015 PMID: 25741868, with internal and published modifications).

NM_002691.4(POLD1):c.2313G>A (p.Ala771=)

Gene: POLD1 (DNA polymerase delta 1, catalytic subunit; plus strand). Cytogenetic location: 19q13.33.
Variant type: single nucleotide variant.
Coding change: c.2313G>A on transcript NM_002691.4 (MANE Select); coding-DNA position 2313, G replaced by A.
Protein change: p.Ala771=; no amino-acid change (alanine 771 retained).
Molecular consequence: synonymous variant. On other transcripts: non-coding transcript variant (1).
Genome position (GRCh38, 1-based): chr19:50,413,804, G>A. VCF-style: chr19-50413804-G-A. GRCh37 (hg19) VCF-style: chr19-50917061-G-A.
Other names: c.2313G>A, p.Ala771= (NM_001256849.1); c.2391G>A, p.Ala797= (NM_001308632.1).
Identifiers: ClinVar variation 389987 (VCV000389987.19), dbSNP rs1039275305, ClinGen allele CA16607921.
Genomic context (GRCh38, chr19:50,413,804, plus strand): 5'-GGTGTATGGTGACACTGACTCCGTCATGTGCCGATTCGGCGTGTCCTCGGTGGCTGAGGC[G>A]ATGGCCCTGGGGCGGGAGGCCGCGGACTGGGTGTCAGGTCACTTCCCGTCGCCCATCCGG-3'
Protein context (NP_002682.2, residues 761-781): CRFGVSSVAE[Ala771=]MALGREAADW